The following is an entry in ClinVar:

ClinVar aggregate classification (germline): Likely pathogenic (1 of 4 stars; one submission).

Conditions:
KBG syndrome (KBGS). Also called: ANKRD11-Related KBG Syndrome. Identifiers: Orphanet 2332, MedGen C0220687, MONDO:0007846, OMIM 148050.

Submission:

Laboratorio de Genetica e Diagnostico Molecular, Hospital Israelita Albert Einstein
Classification: Likely pathogenic for KBG syndrome. Last evaluated: 2024-07-26. Review status: criteria provided, single submitter. Criteria: ACMG Guidelines, 2015. Collection method: clinical testing. Allele origin: germline. Affected: yes.
Comment: ACMG classification criteria: PVS1 very strong, PM2 supporting

NM_013275.6(ANKRD11):c.1201A>T (p.Lys401Ter)

Gene: ANKRD11 (ankyrin repeat domain 11; minus strand). Cytogenetic location: 16q24.3.
Variant type: single nucleotide variant.
Coding change: c.1201A>T on transcript NM_013275.6 (MANE Select); coding-DNA position 1201, A replaced by T.
Protein change: p.Lys401Ter; replaces lysine 401 with a stop codon.
Molecular consequence: nonsense.
Genome position (GRCh38, 1-based): chr16:89,285,341, T>A on the plus strand (A>T on the coding strand, the complement: ANKRD11 is on the minus strand). VCF-style: chr16-89285341-T-A. GRCh37 (hg19) VCF-style: chr16-89351749-T-A.
Other names: c.1201A>T, p.Lys401Ter (NM_001256182.2, NM_001256183.2); short protein forms K401*.
Identifiers: ClinVar variation 3901029 (VCV003901029.1).